The following is an entry in ClinVar:

NM_021076.4(NEFH):c.2714C>T (p.Thr905Ile)

Gene: NEFH (neurofilament heavy chain; plus strand). Cytogenetic location: 22q12.2.
Variant type: single nucleotide variant.
Coding change: c.2714C>T on transcript NM_021076.4 (MANE Select); coding-DNA position 2714, C replaced by T.
Protein change: p.Thr905Ile; replaces threonine 905 with isoleucine.
Molecular consequence: missense variant.
Genome position (GRCh38, 1-based): chr22:29,490,354, C>T. VCF-style: chr22-29490354-C-T. GRCh37 (hg19) VCF-style: chr22-29886343-C-T.
Other names: c.2714C>T (NM_021076.3); short protein forms T905I.
Identifiers: ClinVar variation 2714574 (VCV002714574.4), dbSNP rs202199780, ClinGen allele CA10174479.
Genomic context (GRCh38, chr22:29,490,354, plus strand): 5'-CCAAAGAATCCAAAGTTGAAGCCAAGAAGGAAGAGGCTGAAGATAAGAAAAAAGTCCCCA[C>T]CCCAGAGAAGGAGGCTCCTGCCAAGGTGGAGGTGAAGGAAGACGCTAAACCCAAAGAAAA-3'
Protein context (NP_066554.2, residues 895-915): EEAEDKKKVP[Thr905Ile]PEKEAPAKVE

ClinVar aggregate classification (germline): Benign. Review status: criteria provided, single submitter (1 of 4 stars). 2 submissions from 2 submitters: Benign (1). 1 of the submissions does not count toward it. Last evaluated 2025-06-08.

Conditions:
NEFH-related disorder. Also called: NEFH-related condition.

Allele frequency attached by ClinVar (database versions not stated): gnomAD exomes 0.00002; TOPMed 0.00005; ExAC 0.00008; gnomAD 0.00008; 1000 Genomes Project 0.00120; 1000 Genomes Project 30x 0.00125.

Submissions (2):

Labcorp Genetics (formerly Invitae), Labcorp
Classification: Benign. Last evaluated: 2025-06-08. Review status: criteria provided, single submitter. Criteria: Invitae Variant Classification Sherloc (09022015). Collection method: clinical testing. Allele origin: germline.

PreventionGenetics, part of Exact Sciences
Classification: Likely benign for NEFH-related condition. Last evaluated: 2024-06-20. Review status: no assertion criteria provided. Collection method: clinical testing. Allele origin: germline. Not counted in ClinVar's aggregate classification.
Comment: This variant is classified as likely benign based on ACMG/AMP sequence variant interpretation guidelines (Richards et al. 2015 PMID: 25741868, with internal and published modifications).